The following is an entry in ClinVar:

ClinVar aggregate classification (germline): Uncertain significance (1 of 4 stars; one submission).

Conditions:
Hereditary spastic paraplegia 75. Also called: Spastic paraplegia 75, autosomal recessive. Identifiers: Orphanet 459056, MedGen C4225250, MONDO:0014729, OMIM 616680.

Allele frequency attached by ClinVar (database versions not stated): ExAC 0.00005; gnomAD 0.00010; TOPMed 0.00013; ESP Exome Variant Server 0.00015; 1000 Genomes Project 30x 0.00031; 1000 Genomes Project 0.00040.
gnomAD v4.1: 37 of 1,599,426 alleles (0.0023%); highest among the groups gnomAD compares: African/African-American, 0.045%; no homozygotes.

Submission:

Labcorp Genetics (formerly Invitae), Labcorp
Classification: Uncertain significance for Hereditary spastic paraplegia 75. Last evaluated: 2022-07-12. Review status: criteria provided, single submitter. Criteria: Invitae Variant Classification Sherloc (09022015). Collection method: clinical testing. Allele origin: germline.
Comment: This sequence change replaces valine, which is neutral and non-polar, with methionine, which is neutral and non-polar, at codon 284 of the MAG protein (p.Val284Met). This variant is present in population databases (rs146955682, gnomAD 0.04%). This variant has not been reported in the literature in individuals affected with MAG-related conditions. Algorithms developed to predict the effect of missense changes on protein structure and function are either unavailable or do not agree on the potential impact of this missense change (SIFT: "Deleterious"; PolyPhen-2: "Possibly Damaging"; Align-GVGD: "Class C0"). In summary, the available evidence is currently insufficient to determine the role of this variant in disease. Therefore, it has been classified as a Variant of Uncertain Significance.

NM_002361.4(MAG):c.850G>A (p.Val284Met)

Gene: MAG (myelin associated glycoprotein; plus strand). Cytogenetic location: 19q13.12.
Variant type: single nucleotide variant.
Coding change: c.850G>A on transcript NM_002361.4 (MANE Select); coding-DNA position 850, G replaced by A.
Protein change: p.Val284Met; replaces valine 284 with methionine.
Molecular consequence: missense variant.
Genome position (GRCh38, 1-based): chr19:35,300,284, G>A. VCF-style: chr19-35300284-G-A. GRCh37 (hg19) VCF-style: chr19-35791187-G-A.
Other names: c.775G>A, p.Val259Met (NM_001199216.2); c.850G>A, p.Val284Met (NM_080600.3); short protein forms V284M, V259M.
Identifiers: ClinVar variation 1932224 (VCV001932224.2), dbSNP rs146955682, ClinGen allele CA9376109.